The following is an entry in ClinVar:

NM_005045.4(RELN):c.7111G>A (p.Ala2371Thr)

Gene: RELN (reelin; minus strand). Cytogenetic location: 7q22.1.
Variant type: single nucleotide variant.
Coding change: c.7111G>A on transcript NM_005045.4 (MANE Select); coding-DNA position 7111, G replaced by A.
Protein change: p.Ala2371Thr; replaces alanine 2371 with threonine.
Molecular consequence: missense variant.
Genome position (GRCh38, 1-based): chr7:103,539,147, C>T on the plus strand (G>A on the coding strand, the complement: RELN is on the minus strand). VCF-style: chr7-103539147-C-T. GRCh37 (hg19) VCF-style: chr7-103179594-C-T.
Other names: c.7111G>A, p.Ala2371Thr (NM_173054.3); short protein forms A2371T.
Identifiers: ClinVar variation 130139 (VCV000130139.17), dbSNP rs79377093, ClinGen allele CA154937.

ClinVar aggregate classification (germline): Benign/Likely benign. Review status: criteria provided, multiple submitters, no conflicts (2 of 4 stars). 5 submissions from 5 submitters: Benign (3); Likely benign (2). Last evaluated 2021-09-16.

Conditions:
Epilepsy, familial temporal lobe, 1. Identifiers: Orphanet 101046, MedGen CN030884, MONDO:0700090, OMIM 600512.
Norman-Roberts syndrome (LIS2). Also called: Lissencephaly 2 (Norman-Roberts type). Identifiers: Orphanet 89844, MedGen C0796089, MONDO:0009760, OMIM 257320.
Familial temporal lobe epilepsy 7. Identifiers: Orphanet 101046, MedGen C4225327, MONDO:0014639, OMIM 616436.

Allele frequency attached by ClinVar (database versions not stated): gnomAD 0.00084 and 0.00116; gnomAD exomes 0.00095 and 0.00227; TOPMed 0.00130; ExAC 0.00235; 1000 Genomes Project 0.00539; 1000 Genomes Project 30x 0.00562.
gnomAD v4.1: 1,584 of 1,614,214 alleles (0.098%); highest among the groups gnomAD compares: East Asian, 3.1%; 27 homozygotes.

Submissions (5):

Fulgent Genetics
Classification: Likely benign for Norman-Roberts syndrome; Epilepsy, familial temporal lobe, 1; Familial temporal lobe epilepsy 7. Last evaluated: 2021-09-16. Review status: criteria provided, single submitter. Criteria: ACMG Guidelines, 2015. Collection method: clinical testing. Allele origin: unknown.

GeneDx
Classification: Likely benign. Last evaluated: 2020-02-05. Review status: criteria provided, single submitter. Criteria: GeneDx Variant Classification Process June 2021. Collection method: clinical testing. Allele origin: germline. Affected: yes.

Illumina Laboratory Services, Illumina
Classification: Benign for Norman-Roberts syndrome. Last evaluated: 2018-01-12. Review status: criteria provided, single submitter. Criteria: ICSL Variant Classification Criteria 13 December 2019. Collection method: clinical testing. Allele origin: germline.
Comment: This variant was observed in the ICSL laboratory as part of a predisposition screen in an ostensibly healthy population. It had not been previously curated by ICSL or reported in the Human Gene Mutation Database (HGMD: prior to June 1st, 2018), and was therefore a candidate for classification through an automated scoring system. Utilizing variant allele frequency, disease prevalence and penetrance estimates, and inheritance mode, an automated score was calculated to assess if this variant is too frequent to cause the disease. Based on the score and internal cut-off values, a variant classified as benign is not then subjected to further curation. The score for this variant resulted in a classification of benign for this disease.

Genetic Services Laboratory, University of Chicago
Classification: Benign. Last evaluated: 2016-01-15. Review status: criteria provided, single submitter. Criteria: ACMG Guidelines, 2015. Collection method: clinical testing. Allele origin: germline. Affected: no.

Eurofins Ntd Llc (ga)
Classification: Benign. Last evaluated: 2015-04-16. Review status: criteria provided, single submitter. Criteria: EGL Classification Definitions 2015. Collection method: clinical testing. Allele origin: germline. Observed: 2 variant alleles, 2 heterozygotes.